The following is an entry in ClinVar:

NM_001378030.1(CCDC78):c.1003G>C (p.Glu335Gln)

Gene: CCDC78 (coiled-coil domain containing 78; minus strand). Cytogenetic location: 16p13.3.
Variant type: single nucleotide variant.
Coding change: c.1003G>C on transcript NM_001378030.1 (MANE Select); coding-DNA position 1003, G replaced by C.
Protein change: p.Glu335Gln; replaces glutamic acid 335 with glutamine.
Molecular consequence: missense variant. On other transcripts: non-coding transcript variant (5), intron variant (1).
Genome position (GRCh38, 1-based): chr16:724,156, C>G on the plus strand (G>C on the coding strand, the complement: CCDC78 is on the minus strand). VCF-style: chr16-724156-C-G. GRCh37 (hg19) VCF-style: chr16-774156-C-G.
Other names: c.1003G>C (NM_001031737.2); c.1003G>C, p.Glu335Gln (NM_001031737.3); c.436G>C, p.Glu146Gln (NM_001378033.1); c.953+166G>C (NM_001378031.1); short protein forms E146Q, E335Q.
Identifiers: ClinVar variation 2905890 (VCV002905890.4), dbSNP rs1311813877, ClinGen allele CA394098956.
Genomic context (GRCh38, chr16:724,156, plus strand): 5'-CTAGCCTCACCTGGTCCTCCCGATGGCTGAAGTCAGTGACCAGGGGCACGGGCAATGGTT[C>G]CAGGTCCAAGCTGGCTATGTCAAAAATAGCTTGGGGGTTCCCAGGTGCCCTGTCAGGGTA-3'
Protein context (NP_001364959.1, residues 325-345): AIFDIASLDL[Glu335Gln]PLPVPLVTDF

ClinVar aggregate classification (germline): Uncertain significance. Review status: criteria provided, multiple submitters, no conflicts (2 of 4 stars). 2 submissions from 2 submitters: Uncertain significance (2). Last evaluated 2025-08-14.

Conditions:
Inborn genetic diseases. Identifiers: MedGen C0950123, MeSH D030342.
Congenital myopathy with internal nuclei and atypical cores. Also called: Myopathy, centronuclear, 4. Identifiers: Orphanet 319160, MedGen C4707232, MONDO:0013890, OMIM 614807.

Allele frequency attached by ClinVar (database versions not stated): TOPMed below 0.00001; gnomAD 0.00001.

Submissions (2):

Ambry Genetics
Classification: Uncertain significance for Inborn genetic diseases. Last evaluated: 2025-08-14. Review status: criteria provided, single submitter. Criteria: Ambry Variant Classification Scheme 2023. Collection method: clinical testing. Allele origin: germline.

Labcorp Genetics (formerly Invitae), Labcorp
Classification: Uncertain significance for Congenital myopathy with internal nuclei and atypical cores. Last evaluated: 2023-10-29. Review status: criteria provided, single submitter. Criteria: Invitae Variant Classification Sherloc (09022015). Collection method: clinical testing. Allele origin: germline.
Comment: This sequence change replaces glutamic acid, which is acidic and polar, with glutamine, which is neutral and polar, at codon 335 of the CCDC78 protein (p.Glu335Gln). This variant is present in population databases (no rsID available, gnomAD 0.1%). This variant has not been reported in the literature in individuals affected with CCDC78-related conditions. Advanced modeling of protein sequence and biophysical properties (such as structural, functional, and spatial information, amino acid conservation, physicochemical variation, residue mobility, and thermodynamic stability) performed at Invitae indicates that this missense variant is not expected to disrupt CCDC78 protein function with a negative predictive value of 80%. In summary, the available evidence is currently insufficient to determine the role of this variant in disease. Therefore, it has been classified as a Variant of Uncertain Significance.